The following is an entry in ClinVar:

NC_000023.10:g.(?_32583799)_(33357402_?)dup

Genes: MIR3915 (microRNA 3915; minus strand), MIR548F5 (microRNA 548f-5; minus strand), DMD (dystrophin; minus strand). Cytogenetic location: Xp21.1.
Variant type: Duplication.
Identifiers: ClinVar variation 656304 (VCV000656304.5).

ClinVar aggregate classification (germline): Uncertain significance (1 of 4 stars; one submission).

Conditions:
Duchenne muscular dystrophy (DMD). Also called: MUSCULAR DYSTROPHY, PSEUDOHYPERTROPHIC PROGRESSIVE, DUCHENNE TYPE; Duchenne Muscular Dystrophy (DMD). Identifiers: Orphanet 98896, MedGen C0013264, MONDO:0010679, OMIM 310200.

Submission:

Labcorp Genetics (formerly Invitae), Labcorp
Classification: Uncertain significance for Duchenne muscular dystrophy. Last evaluated: 2018-08-11. Review status: criteria provided, single submitter. Criteria: Invitae Variant Classification Sherloc (09022015). Collection method: clinical testing. Allele origin: germline.
Comment: This variant has been reported in individuals in the Leiden Open-source Variation Database (PMID: 21520333). In summary, the available evidence is currently insufficient to determine the role of this variant in disease. Therefore, it has been classified as a Variant of Uncertain Significance. Subgenic in-frame duplications within exons 1-16 in DMD have been reported in affected individuals (PMID:¬†17854090). This variant results in a copy number gain of the genomic region encompassing exons 1-16 of the DMD gene. The 5' end of this event is unknown as it extends beyond the assayed region for this gene and therefore may encompass additional genes. The 3' boundary is likely confined to intron 16 of the DMD gene. As the precise location of this event is unknown, it may be in tandem or it may be located elsewhere in the genome.

Literature cited by the submitters: PubMed 21520333.